The following is an entry in ClinVar:

ClinVar aggregate classification (germline): Uncertain significance (1 of 4 stars; one submission).

Submission:

Labcorp Genetics (formerly Invitae), Labcorp
Classification: Uncertain significance. Last evaluated: 2023-01-31. Review status: criteria provided, single submitter. Criteria: Invitae Variant Classification Sherloc (09022015). Collection method: clinical testing. Allele origin: germline.
Comment: Algorithms developed to predict the effect of missense changes on protein structure and function output the following: SIFT: "Not Available"; PolyPhen-2: "Benign"; Align-GVGD: "Not Available". The threonine amino acid residue is found in multiple mammalian species, which suggests that this missense change does not adversely affect protein function. In summary, the available evidence is currently insufficient to determine the role of this variant in disease. Therefore, it has been classified as a Variant of Uncertain Significance. This variant has not been reported in the literature in individuals affected with RIPK1-related conditions. This variant is not present in population databases (gnomAD no frequency). This sequence change replaces serine, which is neutral and polar, with threonine, which is neutral and polar, at codon 303 of the RIPK1 protein (p.Ser303Thr).

NM_001354930.2(RIPK1):c.908G>C (p.Ser303Thr)

Gene: RIPK1 (receptor interacting serine/threonine kinase 1; plus strand). Cytogenetic location: 6p25.2.
Variant type: single nucleotide variant.
Coding change: c.908G>C on transcript NM_001354930.2 (MANE Select); coding-DNA position 908, G replaced by C.
Protein change: p.Ser303Thr; replaces serine 303 with threonine.
Molecular consequence: missense variant.
Genome position (GRCh38, 1-based): chr6:3,089,650, G>C. VCF-style: chr6-3089650-G-C. GRCh37 (hg19) VCF-style: chr6-3089884-G-C.
Other names: c.419G>C, p.Ser140Thr (NM_001317061.3, NM_001354932.2, NM_001354933.2 and 1 more transcripts); c.770G>C, p.Ser257Thr (NM_001354931.2); c.908G>C, p.Ser303Thr (NM_003804.6); short protein forms S140T, S257T, S303T.
Identifiers: ClinVar variation 2886032 (VCV002886032.3), dbSNP rs1249583375, ClinGen allele CA362583336.